The following is an entry in ClinVar:

ClinVar aggregate classification (germline): Conflicting classifications of pathogenicity. Review status: criteria provided, conflicting classifications (1 of 4 stars). 2 submissions from 2 submitters: Uncertain significance (1); Likely benign (1). Last evaluated 2023-03-23.

Conditions:
Hereditary cancer-predisposing syndrome. Also called: Hereditary neoplastic syndrome; Neoplastic Syndromes, Hereditary; Tumor predisposition; Hereditary Cancer Syndrome. Identifiers: Orphanet 140162, MedGen C0027672, MeSH D009386, MONDO:0015356.
Hereditary breast ovarian cancer syndrome. Also called: BRCA1- and BRCA2-Associated Hereditary Breast and Ovarian Cancer; Hereditary breast and ovarian cancer; Hereditary breast and/or ovarian cancer syndrome; Hereditary breast and ovarian cancer syndrome (HBOC); Breast and ovarian cancer; Hereditary breast and ovarian cancer syndrome. Identifiers: Orphanet 145, MedGen C0677776, MeSH D061325, MONDO:0003582. Disease mechanism: loss of function.

gnomAD v4.1: 1 of 1,613,672 alleles (0.000062%); no homozygotes.

Submissions (2):

University of Washington Department of Laboratory Medicine, University of Washington
Classification: Likely benign for Hereditary cancer-predisposing syndrome. Last evaluated: 2023-03-23. Review status: criteria provided, single submitter. Criteria: Dines et al. (Genet Med. 2020). Collection method: curation. Allele origin: germline.
Comment: Missense variant in a coldspot region where missense variants are very unlikely to be pathogenic (PMID:31911673).

BRCA2 exon 11 coldspot. Reclassification based on statistical prior probability.

Labcorp Genetics (formerly Invitae), Labcorp
Classification: Uncertain significance for Hereditary breast ovarian cancer syndrome. Last evaluated: 2021-08-07. Review status: criteria provided, single submitter. Criteria: Invitae Variant Classification Sherloc (09022015). Collection method: clinical testing. Allele origin: germline.
Comment: In summary, the available evidence is currently insufficient to determine the role of this variant in disease. Therefore, it has been classified as a Variant of Uncertain Significance. Advanced modeling of protein sequence and biophysical properties (such as structural, functional, and spatial information, amino acid conservation, physicochemical variation, residue mobility, and thermodynamic stability) performed at Invitae indicates that this missense variant is not expected to disrupt BRCA2 protein function. This sequence change replaces serine with phenylalanine at codon 1792 of the BRCA2 protein (p.Ser1792Phe). The serine residue is weakly conserved and there is a large physicochemical difference between serine and phenylalanine. This variant is not present in population databases (ExAC no frequency). This variant has not been reported in the literature in individuals affected with BRCA2-related conditions.

NM_000059.4(BRCA2):c.5375C>T (p.Ser1792Phe)

Gene: BRCA2 (BRCA2 DNA repair associated; plus strand). Cytogenetic location: 13q13.1.
Variant type: single nucleotide variant.
Coding change: c.5375C>T on transcript NM_000059.4 (MANE Select); coding-DNA position 5375, C replaced by T.
Protein change: p.Ser1792Phe; replaces serine 1792 with phenylalanine.
Molecular consequence: missense variant.
Genome position (GRCh38, 1-based): chr13:32,339,730, C>T. VCF-style: chr13-32339730-C-T. GRCh37 (hg19) VCF-style: chr13-32913867-C-T.
Other names: short protein forms S1792F.
Identifiers: ClinVar variation 1510968 (VCV001510968.7), dbSNP rs1555284200, ClinGen allele CA387785171.